The following is an entry in ClinVar:

NM_001041.4(SI):c.2479A>G (p.Lys827Glu)

Gene: SI (sucrase-isomaltase; minus strand). Cytogenetic location: 3q26.1.
Variant type: single nucleotide variant.
Coding change: c.2479A>G on transcript NM_001041.4 (MANE Select); coding-DNA position 2479, A replaced by G.
Protein change: p.Lys827Glu; replaces lysine 827 with glutamic acid.
Molecular consequence: missense variant.
Genome position (GRCh38, 1-based): chr3:165,036,425, T>C on the plus strand (A>G on the coding strand, the complement: SI is on the minus strand). VCF-style: chr3-165036425-T-C. GRCh37 (hg19) VCF-style: chr3-164754213-T-C.
Other names: short protein forms K827E.
Identifiers: ClinVar variation 1482582 (VCV001482582.9), dbSNP rs1712533082, ClinGen allele CA355047819.
Genomic context (GRCh38, chr3:165,036,425, plus strand): 5'-AAAGCGTATTACTTTCAGACTTACCTTTAGTTTCTCCATCATCCCAGAAAAAGTCTCCTT[T>C]GGCTGTGTTGTTTTCACCTAATGCGACTATAAGTCCTAGAGGATTCTTACGGCTGTTAAG-3'
Protein context (NP_001032.2, residues 817-837): IVALGENNTA[Lys827Glu]GDFFWDDGET

ClinVar aggregate classification (germline): Uncertain significance. Review status: criteria provided, multiple submitters, no conflicts (2 of 4 stars). 2 submissions from 2 submitters: Uncertain significance (2). Last evaluated 2024-10-25.

Conditions:
Sucrase-isomaltase deficiency (CSID). Also called: Deficiency of isomaltase; SI DEFICIENCY; Congenital sucrose isomaltose malabsorption; Sucrose isomaltose enzyme deficiency. Identifiers: Orphanet 35122, MedGen C1283620, MONDO:0009114, OMIM 222900.

Allele frequency attached by ClinVar (database versions not stated): gnomAD 0.00001.
gnomAD v4.1: 1 of 1,611,626 alleles (0.000062%); highest among the groups gnomAD compares: Non-Finnish European, 0.000085%; no homozygotes.

Submissions (2):

Labcorp Genetics (formerly Invitae), Labcorp
Classification: Uncertain significance. Last evaluated: 2024-10-25. Review status: criteria provided, single submitter. Criteria: Invitae Variant Classification Sherloc (09022015). Collection method: clinical testing. Allele origin: germline.
Comment: This sequence change replaces lysine, which is basic and polar, with glutamic acid, which is acidic and polar, at codon 827 of the SI protein (p.Lys827Glu). This variant is not present in population databases (gnomAD no frequency). This variant has not been reported in the literature in individuals affected with SI-related conditions. ClinVar contains an entry for this variant (Variation ID: 1482582). Invitae Evidence Modeling of protein sequence and biophysical properties (such as structural, functional, and spatial information, amino acid conservation, physicochemical variation, residue mobility, and thermodynamic stability) indicates that this missense variant is not expected to disrupt SI protein function with a negative predictive value of 95%. In summary, the available evidence is currently insufficient to determine the role of this variant in disease. Therefore, it has been classified as a Variant of Uncertain Significance.

Fulgent Genetics
Classification: Uncertain significance for Sucrase-isomaltase deficiency. Last evaluated: 2024-06-19. Review status: criteria provided, single submitter. Criteria: ACMG Guidelines, 2015. Collection method: clinical testing. Allele origin: germline.